The following is an entry in ClinVar:

NM_000492.4(CFTR):c.1117-31A>G

Gene: CFTR (CF transmembrane conductance regulator; plus strand). Cytogenetic location: 7q31.2.
Variant type: single nucleotide variant.
Coding change: c.1117-31A>G on transcript NM_000492.4 (MANE Select); 31 bases into the intron before coding-DNA position 1117, A replaced by G.
Molecular consequence: intron variant.
Genome position (GRCh38, 1-based): chr7:117,541,985, A>G. VCF-style: chr7-117541985-A-G. GRCh37 (hg19) VCF-style: chr7-117182039-A-G.
Identifiers: ClinVar variation 556468 (VCV000556468.8), dbSNP rs1554381590, ClinGen allele CA658821277.

ClinVar aggregate classification (germline): Likely benign. Review status: criteria provided, single submitter (1 of 4 stars). 3 submissions from 3 submitters: Likely benign (1). 2 of the submissions do not count toward it. Last evaluated 2022-08-20.

Conditions:
Cystic fibrosis (CF). Also called: MUCOVISCIDOSIS. Identifiers: Orphanet 586, MedGen C0010674, MONDO:0009061, OMIM 219700. Disease mechanism: loss of function.
CFTR-related disorder (CFTR-RD). Also called: CFTR-related disorders; CFTR-related condition. Identifiers: MedGen C5924204, MONDO:7770004.

Allele frequency attached by ClinVar (database versions not stated): gnomAD 0.00001; TOPMed below 0.00001; gnomAD exomes below 0.00001.
gnomAD v4.1: 3 of 1,062,762 alleles (0.00028%); highest among the groups gnomAD compares: Admixed American, 0.0034%; no homozygotes.

Submissions (3):

Labcorp Genetics (formerly Invitae), Labcorp
Classification: Likely benign for Cystic fibrosis. Last evaluated: 2022-08-20. Review status: criteria provided, single submitter. Criteria: Invitae Variant Classification Sherloc (09022015). Collection method: clinical testing. Allele origin: germline.

PreventionGenetics, part of Exact Sciences
Classification: Likely benign for CFTR-related condition. Last evaluated: 2022-11-02. Review status: no assertion criteria provided. Collection method: clinical testing. Allele origin: germline. Not counted in ClinVar's aggregate classification.
Comment: This variant is classified as likely benign based on ACMG/AMP sequence variant interpretation guidelines (Richards et al. 2015 PMID: 25741868, with internal and published modifications).

Counsyl
Classification: Likely benign for Cystic fibrosis. Last evaluated: 2018-02-06. Review status: no assertion criteria provided. Collection method: clinical testing. Allele origin: unknown. Not counted in ClinVar's aggregate classification.